The following is an entry in ClinVar:

ClinVar aggregate classification (germline): Uncertain significance (1 of 4 stars; one submission).

gnomAD v4.1: 1 of 1,614,120 alleles (0.000062%); no homozygotes.

Submission:

CeGaT Center for Human Genetics Tuebingen
Classification: Uncertain significance. Last evaluated: 2022-12-01. Review status: criteria provided, single submitter. Criteria: CeGaT Center For Human Genetics Tuebingen Variant Classification Criteria Version 2. Collection method: clinical testing. Allele origin: germline. Affected: yes. Observed: 1 variant allele.
Comment: CCM2: PM2, BP4

NM_031443.4(CCM2):c.31-10496C>G

Gene: CCM2 (CCM2 scaffold protein; plus strand). Cytogenetic location: 7p13.
Variant type: single nucleotide variant.
Coding change: c.31-10496C>G on transcript NM_031443.4 (MANE Select); 10496 bases into the intron before coding-DNA position 31, C replaced by G.
Molecular consequence: intron variant. On other transcripts: missense variant (1).
Genome position (GRCh38, 1-based): chr7:45,027,757, C>G. VCF-style: chr7-45027757-C-G. GRCh37 (hg19) VCF-style: chr7-45067356-C-G.
Other names: c.53C>G, p.Pro18Arg (NM_001029835.2); c.31-10496C>G (NM_001363458.2, NM_001167935.2); c.30+27394C>G (NM_001363459.2, NM_001167934.2); short protein forms P18R.
Identifiers: ClinVar variation 2657439 (VCV002657439.24), dbSNP rs2485940136, ClinGen allele CA367424663.
Genomic context (GRCh38, chr7:45,027,757, plus strand): 5'-AGTAGAGAATGCATAGTAGCTGTCGGCAGAGGAGGAACCAGAATCTCTCCAAAGAAATTC[C>G]TCAAACAGAATTTCACACAGGGTATTCCATGGAGAATGAGGTAGGTGCAAGTCCAGTGTG-3'